The following is an entry in ClinVar:

NM_025099.6(CTC1):c.1383G>T (p.Gln461His)

Gene: CTC1 (CST telomere replication complex component 1; minus strand). Cytogenetic location: 17p13.1.
Variant type: single nucleotide variant.
Coding change: c.1383G>T on transcript NM_025099.6 (MANE Select); coding-DNA position 1383, G replaced by T.
Protein change: p.Gln461His; replaces glutamine 461 with histidine.
Molecular consequence: missense variant. On other transcripts: non-coding transcript variant (1).
Genome position (GRCh38, 1-based): chr17:8,235,109, C>A on the plus strand (G>T on the coding strand, the complement: CTC1 is on the minus strand). VCF-style: chr17-8235109-C-A. GRCh37 (hg19) VCF-style: chr17-8138427-C-A.
Other names: short protein forms Q461H.
Identifiers: ClinVar variation 1356967 (VCV001356967.6), dbSNP rs145192682, ClinGen allele CA8372362.
Genomic context (GRCh38, chr17:8,235,109, plus strand): 5'-TCACTTGCAGGCCAGCTCCTCCAGGGCCTTGGTAGCCCACAGGTAGAGGGGAAGTCCTAA[C>A]TGACGTTCCCACACCAGCTGCTCGTACAGGGAGGCCCCGTAGGCTTGACGGGATGAGTGA-3'
Protein context (NP_079375.3, residues 451-471): SLYEQLVWER[Gln461His]LGLPLYLWAT

ClinVar aggregate classification (germline): Uncertain significance (1 of 4 stars; one submission).

Conditions:
Dyskeratosis congenita. Identifiers: Orphanet 1775, MedGen C0265965, MONDO:0015780.

Submission:

Labcorp Genetics (formerly Invitae), Labcorp
Classification: Uncertain significance for Dyskeratosis congenita. Last evaluated: 2021-11-30. Review status: criteria provided, single submitter. Criteria: Invitae Variant Classification Sherloc (09022015). Collection method: clinical testing. Allele origin: germline.
Comment: This sequence change replaces glutamine, which is neutral and polar, with histidine, which is basic and polar, at codon 461 of the CTC1 protein (p.Gln461His). This variant is present in population databases (rs145192682, gnomAD 0.003%). This variant has not been reported in the literature in individuals affected with CTC1-related conditions. Algorithms developed to predict the effect of missense changes on protein structure and function output the following: SIFT: "Tolerated"; PolyPhen-2: "Benign"; Align-GVGD: "Class C0". The histidine amino acid residue is found in multiple mammalian species, which suggests that this missense change does not adversely affect protein function. In summary, the available evidence is currently insufficient to determine the role of this variant in disease. Therefore, it has been classified as a Variant of Uncertain Significance.